The following is an entry in ClinVar:

ClinVar aggregate classification (germline): Uncertain significance. Review status: criteria provided, multiple submitters, no conflicts (2 of 4 stars). 2 submissions from 2 submitters: Uncertain significance (2). Last evaluated 2025-03-26.

Allele frequency attached by ClinVar (database versions not stated): gnomAD exomes below 0.00001; ExAC 0.00002.
gnomAD v4.1: 5 of 1,613,648 alleles (0.00031%); highest among the groups gnomAD compares: Non-Finnish European, 0.00042%; no homozygotes.

Submissions (2):

Labcorp Genetics (formerly Invitae), Labcorp
Classification: Uncertain significance. Last evaluated: 2025-03-26. Review status: criteria provided, single submitter. Criteria: Invitae Variant Classification Sherloc (09022015). Collection method: clinical testing. Allele origin: germline.
Comment: This sequence change replaces tyrosine, which is neutral and polar, with histidine, which is basic and polar, at codon 351 of the A2ML1 protein (p.Tyr351His). This variant is present in population databases (rs765754714, gnomAD 0.003%). This variant has not been reported in the literature in individuals affected with A2ML1-related conditions. ClinVar contains an entry for this variant (Variation ID: 2626057). An algorithm developed to predict the effect of missense changes on protein structure and function (PolyPhen-2) suggests that this variant is likely to be disruptive. In summary, the available evidence is currently insufficient to determine the role of this variant in disease. Therefore, it has been classified as a Variant of Uncertain Significance.

Ambry Genetics
Classification: Uncertain significance. Last evaluated: 2023-07-20. Review status: criteria provided, single submitter. Criteria: Ambry Variant Classification Scheme 2023. Collection method: clinical testing. Allele origin: germline.
Comment: The p.Y351H variant (also known as c.1051T>C), located in coding exon 10 of the A2ML1 gene, results from a T to C substitution at nucleotide position 1051. The tyrosine at codon 351 is replaced by histidine, an amino acid with similar properties. This amino acid position is conserved. In addition, this alteration is predicted to be tolerated by in silico analysis. Since supporting evidence is limited at this time, the clinical significance of this alteration remains unclear.

NM_144670.6(A2ML1):c.1051T>C (p.Tyr351His)

Gene: A2ML1 (alpha-2-macroglobulin like 1; plus strand). Cytogenetic location: 12p13.31.
Variant type: single nucleotide variant.
Coding change: c.1051T>C on transcript NM_144670.6 (MANE Select); coding-DNA position 1051, T replaced by C.
Protein change: p.Tyr351His; replaces tyrosine 351 with histidine.
Molecular consequence: missense variant.
Genome position (GRCh38, 1-based): chr12:8,839,193, T>C. VCF-style: chr12-8839193-T-C. GRCh37 (hg19) VCF-style: chr12-8991789-T-C.
Other names: short protein forms Y351H.
Identifiers: ClinVar variation 2626057 (VCV002626057.3), dbSNP rs765754714, ClinGen allele CA6435521.
Genomic context (GRCh38, chr12:8,839,193, plus strand): 5'-CAGAATATCTACATTTCTCCACAAATGGGATCAATGACCTTTGAAGACACCAGCAATTTT[T>C]ACCATCCAAATTTCCCCTTCAGTGGGAAGGTATGTTAAAACTTTTCTCTGCATAGACAAA-3'
Protein context (NP_653271.3, residues 341-361): SMTFEDTSNF[Tyr351His]HPNFPFSGKI